The following is an entry in ClinVar:

ClinVar aggregate classification (germline): Uncertain significance. Review status: criteria provided, multiple submitters, no conflicts (2 of 4 stars). 7 submissions from 7 submitters: Uncertain significance (7). Last evaluated 2024-12-09.

Conditions:
Autosomal recessive ataxia, Beauce type. Also called: Spinocerebellar ataxia, autosomal recessive 8; ATAXIA, RECESSIVE, OF BEAUCE; SYNE1-Related Autosomal Recessive Cerebellar Ataxia; SYNE1 Deficiency. Identifiers: Orphanet 88644, MedGen C1853116, MONDO:0012549, OMIM 610743.
Emery-Dreifuss muscular dystrophy 4, autosomal dominant (EDMD4). Also called: EMERY-DREIFUSS MUSCULAR DYSTROPHY 4 WITH VARIABLE FEATURES. Identifiers: Orphanet 261, MedGen C2751807, MONDO:0013071, OMIM 612998.
Inborn genetic diseases. Identifiers: MedGen C0950123, MeSH D030342.

Allele frequency attached by ClinVar (database versions not stated): gnomAD exomes 0.00004 and 0.00009; ExAC 0.00009; 1000 Genomes Project 30x 0.00016; 1000 Genomes Project 0.00020; gnomAD 0.00029 and 0.00034; TOPMed 0.00030; ESP Exome Variant Server 0.00031.
gnomAD v4.1: 107 of 1,614,176 alleles (0.0066%); highest among the groups gnomAD compares: African/African-American, 0.091%; no homozygotes.

Submissions (7):

Labcorp Genetics (formerly Invitae), Labcorp
Classification: Uncertain significance for Emery-Dreifuss muscular dystrophy 4, autosomal dominant; Autosomal recessive ataxia, Beauce type. Last evaluated: 2024-12-09. Review status: criteria provided, single submitter. Criteria: Invitae Variant Classification Sherloc (09022015). Collection method: clinical testing. Allele origin: germline.
Comment: This sequence change replaces arginine, which is basic and polar, with cysteine, which is neutral and slightly polar, at codon 4253 of the SYNE1 protein (p.Arg4253Cys). This variant is present in population databases (rs142258643, gnomAD 0.1%). This variant has not been reported in the literature in individuals affected with SYNE1-related conditions. ClinVar contains an entry for this variant (Variation ID: 284455). An algorithm developed to predict the effect of missense changes on protein structure and function (PolyPhen-2) suggests that this variant is likely to be disruptive. In summary, the available evidence is currently insufficient to determine the role of this variant in disease. Therefore, it has been classified as a Variant of Uncertain Significance.

GeneDx
Classification: Uncertain significance. Last evaluated: 2024-10-23. Review status: criteria provided, single submitter. Criteria: GeneDx Variant Classification Process June 2021. Collection method: clinical testing. Allele origin: germline. Affected: yes.
Comment: In silico analysis supports that this missense variant has a deleterious effect on protein structure/function; Has not been previously published as pathogenic or benign to our knowledge

Athena Diagnostics
Classification: Uncertain significance. Last evaluated: 2024-05-22. Review status: criteria provided, single submitter. Criteria: Athena Diagnostics Criteria. Collection method: clinical testing. Allele origin: unknown.
Comment: Available data are insufficient to determine the clinical significance of the variant at this time. The frequency of this variant in the general population is higher than would generally be expected for pathogenic variants in this gene. Polyphen and MutationTaster yielded discordant predictions regarding whether this amino acid change is damaging to the protein.

Mayo Clinic Laboratories, Mayo Clinic
Classification: Uncertain significance. Last evaluated: 2024-02-15. Review status: criteria provided, single submitter. Criteria: ACMG Guidelines, 2015. Collection method: clinical testing. Allele origin: germline. Observed: 1 variant allele.

Revvity Omics, Revvity
Classification: Uncertain significance. Last evaluated: 2021-11-16. Review status: criteria provided, single submitter. Criteria: ACMG Guidelines, 2015. Collection method: clinical testing. Allele origin: germline.

Ambry Genetics
Classification: Uncertain significance for Inborn genetic diseases. Last evaluated: 2021-08-12. Review status: criteria provided, single submitter. Criteria: Ambry Variant Classification Scheme 2023. Collection method: clinical testing. Allele origin: germline.

Eurofins Ntd Llc (ga)
Classification: Uncertain significance. Last evaluated: 2015-11-02. Review status: criteria provided, single submitter. Criteria: EGL Classification Definitions 2015. Collection method: clinical testing. Allele origin: germline. Observed: 2 variant alleles, 2 heterozygotes.

NM_182961.4(SYNE1):c.12970C>T (p.Arg4324Cys)

Gene: SYNE1 (spectrin repeat containing nuclear envelope protein 1; minus strand). Cytogenetic location: 6q25.2.
Variant type: single nucleotide variant.
Coding change: c.12970C>T on transcript NM_182961.4 (MANE Select); coding-DNA position 12970, C replaced by T.
Protein change: p.Arg4324Cys; replaces arginine 4324 with cysteine.
Molecular consequence: missense variant.
Genome position (GRCh38, 1-based): chr6:152,331,715, G>A on the plus strand (C>T on the coding strand, the complement: SYNE1 is on the minus strand). VCF-style: chr6-152331715-G-A. GRCh37 (hg19) VCF-style: chr6-152652850-G-A.
Other names: p.Arg4253Cys; c.12757C>T, p.Arg4253Cys (NM_033071.5); c.12970C>T (NM_182961.2); short protein forms R4324C, R4253C.
Identifiers: ClinVar variation 284455 (VCV000284455.22), dbSNP rs142258643, ClinGen allele CA4056279.